The following is an entry in ClinVar:

ClinVar aggregate classification (germline): Uncertain significance (1 of 4 stars; one submission).

Conditions:
Tuberous sclerosis 1 (TSC1). Identifiers: Orphanet 805, MedGen C1854465, MONDO:0008612, OMIM 191100.

Submission:

Labcorp Genetics (formerly Invitae), Labcorp
Classification: Uncertain significance for Tuberous sclerosis 1. Last evaluated: 2025-07-15. Review status: criteria provided, single submitter. Criteria: Invitae Variant Classification Sherloc (09022015). Collection method: clinical testing. Allele origin: germline.
Comment: This sequence change replaces arginine, which is basic and polar, with proline, which is neutral and non-polar, at codon 37 of the TSC1 protein (p.Arg37Pro). This variant is not present in population databases (gnomAD no frequency). This variant has not been reported in the literature in individuals affected with TSC1-related conditions. Invitae Evidence Modeling of protein sequence and biophysical properties (such as structural, functional, and spatial information, amino acid conservation, physicochemical variation, residue mobility, and thermodynamic stability) has been performed for this missense variant. However, the output from this modeling did not meet the statistical confidence thresholds required to predict the impact of this variant on TSC1 protein function. In summary, the available evidence is currently insufficient to determine the role of this variant in disease. Therefore, it has been classified as a Variant of Uncertain Significance.

NM_000368.5(TSC1):c.110G>C (p.Arg37Pro)

Gene: TSC1 (TSC complex subunit 1; minus strand). Cytogenetic location: 9q34.13.
Variant type: single nucleotide variant.
Coding change: c.110G>C on transcript NM_000368.5 (MANE Select); coding-DNA position 110, G replaced by C.
Protein change: p.Arg37Pro; replaces arginine 37 with proline.
Molecular consequence: missense variant. On other transcripts: 5 prime UTR variant (9), non-coding transcript variant (4), intron variant (9).
Genome position (GRCh38, 1-based): chr9:132,927,301, C>G on the plus strand (G>C on the coding strand, the complement: TSC1 is on the minus strand). VCF-style: chr9-132927301-C-G. GRCh37 (hg19) VCF-style: chr9-135802688-C-G.
Other names: c.110G>C, p.Arg37Pro (NM_001406609.1, NM_001406610.1, NM_001406611.1 and 21 more transcripts); c.-379G>C (NM_001406615.1, NM_001406623.1); c.-346G>C (NM_001406616.1, NM_001406624.1); c.-768G>C (NM_001406626.1, NM_001406627.1, NM_001406628.1); c.-910G>C (NM_001406629.1); c.-984G>C (NM_001406630.1); c.-153-1562G>C (NM_001406620.1, NM_001406618.1); c.-154+1466G>C (NM_001406625.1, NM_001406621.1, NM_001406617.1 and 3 more transcripts); and 1 more; short protein forms R37P.
Identifiers: ClinVar variation 4709643 (VCV004709643.1).